The following is an entry in ClinVar:

NM_001358530.2(MOCS1):c.64_93dup (p.Ser22_Cys31dup)

Gene: MOCS1 (molybdenum cofactor synthesis 1; minus strand). Cytogenetic location: 6p21.2.
Variant type: Duplication.
Coding change: c.64_93dup on transcript NM_001358530.2 (MANE Select); coding-DNA positions 64 to 93, 30 bases duplicated (AGCTCAGGGGCTCCGGTGACCCAGCCCTGC).
Protein change: p.Ser22_Cys31dup.
Molecular consequence: inframe insertion. On other transcripts: 5 prime UTR variant (2), non-coding transcript variant (1).
Genome position (GRCh38, 1-based): chr6:39,934,325-39,934,354, GCAGGGCTGGGTCACCGGAGCCCCTGAGCT duplicated on the plus strand (AGCTCAGGGGCTCCGGTGACCCAGCCCTGC on the coding strand, the reverse complement: MOCS1 is on the minus strand); duplicating any 30 consecutive bases within chr6:39,934,325-39,934,358 gives the same sequence; the c. name uses the placement nearest the transcript's 3' end. VCF-style (leftmost placement, unchanged base first): chr6-39934324-G-GGCAGGGCTGGGTCACCGGAGCCCCTGAGCT. GRCh37 (hg19) VCF-style: chr6-39902063-G-GGCAGGGCTGGGTCACCGGAGCCCCTGAGCT.
Other names: c.64_93dup, p.Ser22_Cys31dup (NM_001075098.4, NM_001358529.2); c.-71_-42dup (NM_001358531.2, NM_001358533.2).
Identifiers: ClinVar variation 1433615 (VCV001433615.6), dbSNP rs2149429441, ClinGen allele CA1088126747.
Genomic context (GRCh38, chr6:39,934,324, plus strand): 5'-GAAGCTGTGGACGCAGGCGGGGTGGGCTCACCTCCGAGGCAGCTCGCGCGGACTCCCCGG[G>GGCAGGGCTGGGTCACCGGAGCCCCTGAGCT]GCAGGGCTGGGTCACCGGAGCCCCTGAGCTGCAGCTCCGGGCGCTGGACCTCAGAAGCCG-3'

ClinVar aggregate classification (germline): Uncertain significance (1 of 4 stars; one submission).

Conditions:
Sulfite oxidase deficiency due to molybdenum cofactor deficiency type A. Also called: Molybdenum cofactor deficiency, complementation group A; Molybdenum Cofactor Deficiency A. Identifiers: Orphanet 308386, Orphanet 833, MedGen C1854988, MONDO:0009643, OMIM 252150.

Submission:

Labcorp Genetics (formerly Invitae), Labcorp
Classification: Uncertain significance for Sulfite oxidase deficiency due to molybdenum cofactor deficiency type A. Last evaluated: 2024-07-22. Review status: criteria provided, single submitter. Criteria: Invitae Variant Classification Sherloc (09022015). Collection method: clinical testing. Allele origin: germline.
Comment: This variant, c.64_93dup, results in the insertion of 10 amino acid(s) of the MOCS1 protein (p.Ser22_Cys31dup), but otherwise preserves the integrity of the reading frame. This variant is not present in population databases (gnomAD no frequency). This variant has not been reported in the literature in individuals affected with MOCS1-related conditions. ClinVar contains an entry for this variant (Variation ID: 1433615). Experimental studies and prediction algorithms are not available or were not evaluated, and the functional significance of this variant is currently unknown. In summary, the available evidence is currently insufficient to determine the role of this variant in disease. Therefore, it has been classified as a Variant of Uncertain Significance.